The following is an entry in ClinVar:

ClinVar aggregate classification (germline): Likely pathogenic (1 of 4 stars; one submission).

Conditions:
Pheochromocytoma. Also called: MAX-Related Hereditary Paraganglioma-Pheochromocytoma Syndrome. Identifiers: Orphanet 29072, MedGen C0031511, MONDO:0008233, OMIM 171300, HP:0002666.
Gastrointestinal stromal tumor. Also called: Gastrointestinal stromal tumor, somatic; Gastrointestinal stroma tumor. Identifiers: Orphanet 44890, MedGen C0238198, MeSH D046152, MONDO:0011719, OMIM 606764, HP:0100723.
Pheochromocytoma/paraganglioma syndrome 4. Also called: CAROTID BODY TUMORS AND MULTIPLE EXTRAADRENAL PHEOCHROMOCYTOMAS; PARAGANGLIOMA, FAMILIAL MALIGNANT; PARAGANGLIOMAS, HEREDITARY EXTRAADRENAL; PHEOCHROMOCYTOMA, FAMILIAL EXTRAADRENAL; Paragangliomas 4; SDHB-Related Hereditary Paraganglioma-Pheochromocytoma Syndrome (Paragangliomas 4). Identifiers: Orphanet 29072, MedGen C1861848, MONDO:0007273, OMIM 115310.

Submission:

Labcorp Genetics (formerly Invitae), Labcorp
Classification: Likely pathogenic for Gastrointestinal stromal tumor; Pheochromocytoma/paraganglioma syndrome 4; Pheochromocytoma. Last evaluated: 2019-08-09. Review status: criteria provided, single submitter. Criteria: Invitae Variant Classification Sherloc (09022015). Collection method: clinical testing. Allele origin: unknown.
Comment: In summary, the currently available evidence indicates that the variant is pathogenic, but additional data are needed to prove that conclusively. Therefore, this variant has been classified as Likely Pathogenic. Loss-of-function variants in SDHB are known to be pathogenic (PMID: 19454582, 19802898). This variant has not been reported in the literature in individuals with SDHB-related conditions. This variant is a complex sequence change that deletes¬†genomic region encompassing part of exon 3 and inserts another 14 nucleotides¬†at the intron 3-exon 4 boundary¬†(c.208_287-1359delins14) of the SDHB gene.¬†It is expected to create a premature translational stop signal and result in an absent or disrupted protein product.

Literature cited by the submitters: PubMed 19454582; PubMed 19802898.

NC_000001.10:g.(?_17356590)_(17359633_?)del

Gene: SDHB (succinate dehydrogenase complex iron sulfur subunit B; minus strand). Cytogenetic location: 1p36.13.
Variant type: Deletion.
Identifiers: ClinVar variation 3247661 (VCV003247661.1).